The following is an entry in ClinVar:

NM_000426.4(LAMA2):c.465del (p.Glu155fs)

Gene: LAMA2 (laminin subunit alpha 2; plus strand). Cytogenetic location: 6q22.33.
Variant type: Deletion.
Coding change: c.465del on transcript NM_000426.4 (MANE Select); coding-DNA position 465, one base deleted (A; older notation c.465delA).
Protein change: p.Glu155fs; shifts the reading frame from glutamic acid 155.
Molecular consequence: frameshift variant.
Genome position (GRCh38, 1-based): chr6:129,098,241, A deleted; the last of 2 consecutive A bases (chr6:129,098,240-129,098,241); deleting either gives the same sequence. VCF-style (leftmost placement, unchanged base first): chr6-129098239-GA-G. GRCh37 (hg19) VCF-style: chr6-129419384-GA-G.
Other names: c.465del, p.Glu155fs (NM_001079823.2); short protein forms E155fs.
Identifiers: ClinVar variation 5011332 (VCV005011332.1).

ClinVar aggregate classification (germline): Pathogenic (1 of 4 stars; one submission).

Conditions:
LAMA2-related muscular dystrophy (LAMA2-RD). Also called: Laminin alpha 2-related dystrophy. Identifiers: MedGen C5679788, MONDO:0100228.

Submission:

Myriad Genetics, Inc.
Classification: Pathogenic for LAMA2-related muscular dystrophy. Last evaluated: 2023-08-12. Review status: criteria provided, single submitter. Criteria: Myriad Autosomal Dominant, Autosomal Recessive and X-Linked Classification Criteria (2023). Collection method: clinical testing. Allele origin: unknown.
Comment: NM_000426.3(LAMA2):c.465delA(E155Dfs*17) is expected to be pathogenic in the context of muscular dystrophy, LAMA2-related. This variant is predicted to lead to an abnormal or absent protein product due to the creation of a premature termination codon in LAMA2, a gene where loss-of-function variants are known to be pathogenic. Please note: this variant was assessed in the context of healthy population screening.